The following is an entry in ClinVar:

NM_000639.3(FASLG):c.781G>A (p.Val261Ile)

Gene: FASLG (Fas ligand; plus strand). Cytogenetic location: 1q24.3.
Variant type: single nucleotide variant.
Coding change: c.781G>A on transcript NM_000639.3 (MANE Select); coding-DNA position 781, G replaced by A.
Protein change: p.Val261Ile; replaces valine 261 with isoleucine.
Molecular consequence: missense variant. On other transcripts: 3 prime UTR variant (1).
Genome position (GRCh38, 1-based): chr1:172,665,951, G>A. VCF-style: chr1-172665951-G-A. GRCh37 (hg19) VCF-style: chr1-172635091-G-A.
Other names: c.*351G>A (NM_001302746.2); short protein forms V261I.
Identifiers: ClinVar variation 1052963 (VCV001052963.5), dbSNP rs201780506, ClinGen allele CA32979656.
Genomic context (GRCh38, chr1:172,665,951, plus strand): 5'-CGCAGCAGCTACCTGGGGGCAGTGTTCAATCTTACCAGTGCTGATCATTTATATGTCAAC[G>A]TATCTGAGCTCTCTCTGGTCAATTTTGAGGAATCTCAGACGTTTTTCGGCTTATATAAGC-3'
Protein context (NP_000630.1, residues 251-271): LTSADHLYVN[Val261Ile]SELSLVNFEE

ClinVar aggregate classification (germline): Uncertain significance (1 of 4 stars; one submission).

Conditions:
Autoimmune lymphoproliferative syndrome type 1. Also called: AUTOIMMUNE LYMPHOPROLIFERATIVE SYNDROME, TYPE I, AUTOSOMAL DOMINANT. Identifiers: Orphanet 3261, MedGen C2717884, MONDO:0011158, OMIM 601859.

Allele frequency attached by ClinVar (database versions not stated): gnomAD exomes 0.00001; TOPMed below 0.00001.

Submission:

Labcorp Genetics (formerly Invitae), Labcorp
Classification: Uncertain significance for Autoimmune lymphoproliferative syndrome. Last evaluated: 2020-02-14. Review status: criteria provided, single submitter. Criteria: Invitae Variant Classification Sherloc (09022015). Collection method: clinical testing. Allele origin: germline.
Comment: Algorithms developed to predict the effect of missense changes on protein structure and function output the following: SIFT: "Tolerated"; PolyPhen-2: "Possibly Damaging"; Align-GVGD: "Class C0". The isoleucine amino acid residue is found in multiple mammalian species, suggesting that this missense change does not adversely affect protein function. These predictions have not been confirmed by published functional studies and their clinical significance is uncertain. This sequence change replaces valine with isoleucine at codon 261 of the FASLG protein (p.Val261Ile). The valine residue is highly conserved and there is a small physicochemical difference between valine and isoleucine. This variant is not present in population databases (ExAC no frequency). This variant has not been reported in the literature in individuals with FASLG-related conditions. In summary, the available evidence is currently insufficient to determine the role of this variant in disease. Therefore, it has been classified as a Variant of Uncertain Significance.